The following is an entry in ClinVar:

NM_001715.3(BLK):c.1148G>A (p.Arg383Gln)

Gene: BLK (BLK proto-oncogene, Src family tyrosine kinase). Cytogenetic location: 8p23.1.
Variant type: single nucleotide variant.
Coding change: c.1148G>A on transcript NM_001715.3 (MANE Select); coding-DNA position 1148, G replaced by A.
Protein change: p.Arg383Gln; replaces arginine 383 with glutamine.
Molecular consequence: missense variant.
Genome position (GRCh38, 1-based): chr8:11,561,420, G>A. VCF-style: chr8-11561420-G-A. GRCh37 (hg19) VCF-style: chr8-11418929-G-A.
Other names: c.935G>A, p.Arg312Gln (NM_001330465.2); short protein forms R383Q, R312Q.
Identifiers: ClinVar variation 1430615 (VCV001430615.6), dbSNP rs773865077, ClinGen allele CA4630383.

ClinVar aggregate classification (germline): Uncertain significance (1 of 4 stars; one submission).

Allele frequency attached by ClinVar (database versions not stated): ExAC 0.00009.
gnomAD v4.1: 110 of 1,613,872 alleles (0.0068%); highest among the groups gnomAD compares: Non-Finnish European, 0.0078%; no homozygotes.

Submission:

Labcorp Genetics (formerly Invitae), Labcorp
Classification: Uncertain significance. Last evaluated: 2025-12-18. Review status: criteria provided, single submitter. Criteria: Invitae Variant Classification Sherloc (09022015). Collection method: clinical testing. Allele origin: germline.
Comment: This sequence change replaces arginine, which is basic and polar, with glutamine, which is neutral and polar, at codon 383 of the BLK protein (p.Arg383Gln). This variant is present in population databases (rs773865077, gnomAD 0.02%). This variant has not been reported in the literature in individuals affected with BLK-related conditions. ClinVar contains an entry for this variant (Variation ID: 1430615). An algorithm developed to predict the effect of missense changes on protein structure and function (PolyPhen-2) suggests that this variant is likely to be disruptive. In summary, the available evidence is currently insufficient to determine the role of this variant in disease. Therefore, it has been classified as a Variant of Uncertain Significance.